The following is an entry in ClinVar:

ClinVar aggregate classification (germline): Uncertain significance. Review status: criteria provided, multiple submitters, no conflicts (2 of 4 stars). 6 submissions from 6 submitters: Uncertain significance (6). Last evaluated 2025-09-28.

Conditions:
Familial thoracic aortic aneurysm and aortic dissection (TAAD). Also called: Thoracic aortic aneurysms and dissections. Identifiers: Orphanet 91387, MedGen C4707243, MONDO:0019625.
Loeys-Dietz syndrome 2 (LDS2). Also called: Marfan Syndrome type 2; Marfan like connective tissue disorder; MFS 2; TGFBR2-Related Loeys-Dietz Syndrome; MARFAN SYNDROME, TYPE II; Marfan syndrome, type 2 (formerly). Identifiers: Orphanet 284973, Orphanet 558, MedGen C2674574, MONDO:0012427, OMIM 610168.
TGFBR2-related disorder. Also called: TGFBR2-related condition.

Allele frequency attached by ClinVar (database versions not stated): gnomAD exomes below 0.00001; ExAC 0.00001.
gnomAD v4.1: 1 of 1,614,220 alleles (0.000062%); highest among the groups gnomAD compares: Non-Finnish European, 0.000085%; no homozygotes.

Submissions (6):

Ambry Genetics
Classification: Uncertain significance for Familial thoracic aortic aneurysm and aortic dissection. Last evaluated: 2025-09-28. Review status: criteria provided, single submitter. Criteria: Ambry Variant Classification Scheme 2023. Collection method: clinical testing. Allele origin: germline.
Comment: The p.N303H variant (also known as c.907A>C), located in coding exon 4 of the TGFBR2 gene, results from an A to C substitution at nucleotide position 907. The asparagine at codon 303 is replaced by histidine, an amino acid with similar properties. This amino acid position is conserved. In addition, this alteration is predicted to be deleterious by in silico analysis. Since supporting evidence is limited at this time, the clinical significance of this alteration remains unclear.

Labcorp Genetics (formerly Invitae), Labcorp
Classification: Uncertain significance for Familial thoracic aortic aneurysm and aortic dissection. Last evaluated: 2025-07-21. Review status: criteria provided, single submitter. Criteria: Invitae Variant Classification Sherloc (09022015). Collection method: clinical testing. Allele origin: germline.
Comment: This sequence change replaces asparagine, which is neutral and polar, with histidine, which is basic and polar, at codon 303 of the TGFBR2 protein (p.Asn303His). This variant is present in population databases (rs773932892, gnomAD 0.0009%). This variant has not been reported in the literature in individuals affected with TGFBR2-related conditions. ClinVar contains an entry for this variant (Variation ID: 645234). Invitae Evidence Modeling incorporating data from in vitro experimental studies (internal data) indicates that this missense variant is expected to disrupt TGFBR2 function with a positive predictive value of 80%. In summary, the available evidence is currently insufficient to determine the role of this variant in disease. Therefore, it has been classified as a Variant of Uncertain Significance.

Color Diagnostics, LLC DBA Color Health
Classification: Uncertain significance for Familial thoracic aortic aneurysm and aortic dissection. Last evaluated: 2025-04-14. Review status: criteria provided, single submitter. Criteria: ACMG Guidelines, 2015. Collection method: clinical testing. Allele origin: germline.
Comment: This missense variant replaces asparagine with histidine at codon 303 of the TGFBR2 protein. Computational prediction suggests that this variant may have deleterious impact on protein structure and function. To our knowledge, functional studies have not been reported for this variant. This variant has not been reported in individuals affected with TGFBR2-related disorders in the literature. This variant has been identified in 1/251004 chromosomes in the general population by the Genome Aggregation Database (gnomAD). The available evidence is insufficient to determine the role of this variant in disease conclusively. Therefore, this variant is classified as a Variant of Uncertain Significance.

PreventionGenetics, part of Exact Sciences
Classification: Uncertain significance for TGFBR2-related condition. Last evaluated: 2025-02-25. Review status: criteria provided, single submitter. Criteria: ACMG Guidelines, 2015. Collection method: clinical testing. Allele origin: germline.
Comment: The TGFBR2 c.907A>C variant is predicted to result in the amino acid substitution p.Asn303His. To our knowledge, this variant has not been reported in the literature. This variant is reported in 0.00088% of alleles in individuals of European (Non-Finnish) descent in gnomAD. At this time, the clinical significance of this variant is uncertain due to the absence of conclusive functional and genetic evidence.

All of Us Research Program, National Institutes of Health
Classification: Uncertain significance for Loeys-Dietz syndrome 2. Last evaluated: 2024-05-17. Review status: criteria provided, single submitter. Criteria: ACMG Guidelines, 2015. Collection method: clinical testing. Allele origin: germline. Inheritance: Autosomal dominant inheritance. Observed: 1 variant allele, 1 heterozygote.
Comment: This study involves interpretation of variants in research participants for the purpose of population health screening. Participant phenotype was not available at the time of variant classification. Additional details can be found in publication PMID: 35346344, PMCID: PMC8962531

CHEO Genetics Diagnostic Laboratory, Children's Hospital of Eastern Ontario
Classification: Uncertain significance for Familial thoracic aortic aneurysm and aortic dissection. Last evaluated: 2020-06-08. Review status: criteria provided, single submitter. Criteria: ACMG Guidelines, 2015. Collection method: clinical testing. Allele origin: germline.

NM_003242.6(TGFBR2):c.907A>C (p.Asn303His)

Gene: TGFBR2 (transforming growth factor beta receptor 2; plus strand). Cytogenetic location: 3p24.1.
Variant type: single nucleotide variant.
Coding change: c.907A>C on transcript NM_003242.6 (MANE Select); coding-DNA position 907, A replaced by C.
Protein change: p.Asn303His; replaces asparagine 303 with histidine.
Molecular consequence: missense variant.
Genome position (GRCh38, 1-based): chr3:30,672,090, A>C. VCF-style: chr3-30672090-A-C. GRCh37 (hg19) VCF-style: chr3-30713582-A-C.
Other names: c.982A>C, p.Asn328His (NM_001024847.3); c.1090A>C, p.Asn364His (NM_001407126.1); c.1015A>C, p.Asn339His (NM_001407127.1); c.934A>C, p.Asn312His (NM_001407128.1); c.910A>C, p.Asn304His (NM_001407129.1); c.907A>C, p.Asn303His (NM_001407130.1); c.802A>C, p.Asn268His (NM_001407132.1, NM_001407133.1, NM_001407134.1 and 2 more transcripts); c.622A>C, p.Asn208His (NM_001407137.1); and 1 more; short protein forms N303H, N328H, N183H, N268H, N312H, N339H, N208H, N304H.
Identifiers: ClinVar variation 645234 (VCV000645234.64), dbSNP rs773932892, ClinGen allele CA050124.